The following is an entry in ClinVar:

ClinVar aggregate classification (germline): Uncertain significance (1 of 4 stars; one submission).

Conditions:
Cardiovascular phenotype. Identifiers: MedGen CN230736.

Submission:

Ambry Genetics
Classification: Uncertain significance for Cardiovascular phenotype. Last evaluated: 2019-05-28. Review status: criteria provided, single submitter. Criteria: Ambry Variant Classification Scheme 2023. Collection method: clinical testing. Allele origin: germline.
Comment: The p.M162V variant (also known as c.484A>G), located in coding exon 4 of the SCN3B gene, results from an A to G substitution at nucleotide position 484. The methionine at codon 162 is replaced by valine, an amino acid with highly similar properties. This amino acid position is highly conserved in available vertebrate species. In addition, this alteration is predicted to be deleterious by in silico analysis. Since supporting evidence is limited at this time, the clinical significance of this alteration remains unclear.

NM_001040151.2(SCN3B):c.484A>G (p.Met162Val)

Gene: SCN3B (sodium voltage-gated channel beta subunit 3; minus strand). Cytogenetic location: 11q24.1.
Variant type: single nucleotide variant.
Coding change: c.484A>G on transcript NM_001040151.2 (MANE Select); coding-DNA position 484, A replaced by G.
Protein change: p.Met162Val; replaces methionine 162 with valine.
Molecular consequence: missense variant.
Genome position (GRCh38, 1-based): chr11:123,638,286, T>C on the plus strand (A>G on the coding strand, the complement: SCN3B is on the minus strand). VCF-style: chr11-123638286-T-C. GRCh37 (hg19) VCF-style: chr11-123508994-T-C.
Other names: c.484A>G, p.Met162Val (NM_018400.4); short protein forms M162V.
Identifiers: ClinVar variation 1743547 (VCV001743547.2), dbSNP rs571255893, ClinGen allele CA229976625.
Genomic context (GRCh38, chr11:123,638,286, plus strand): 5'-TGTAGCAATATATCATCTCGATGAGCAGCCACAAGGTGAGGAAGACCAGAAGGATGTACA[T>C]CATGATTTCTGAGACCACAGAGGTGAAGTCCTCTCCAGCTGAAAGAAAGAGAATGAGGTT-3'
Protein context (NP_001035241.1, residues 152-172): DFTSVVSEIM[Met162Val]YILLVFLTLW